The following is an entry in ClinVar:

NM_001378454.1(ALMS1):c.10108G>T (p.Asp3370Tyr)

Gene: ALMS1 (ALMS1 centrosome and basal body associated protein; plus strand). Cytogenetic location: 2p13.1.
Variant type: single nucleotide variant.
Coding change: c.10108G>T on transcript NM_001378454.1 (MANE Select); coding-DNA position 10108, G replaced by T.
Protein change: p.Asp3370Tyr; replaces aspartic acid 3370 with tyrosine.
Molecular consequence: missense variant.
Genome position (GRCh38, 1-based): chr2:73,557,249, G>T. VCF-style: chr2-73557249-G-T. GRCh37 (hg19) VCF-style: chr2-73784376-G-T.
Other names: c.10111G>T, p.Asp3371Tyr (NM_015120.4); short protein forms D3370Y, D3371Y.
Identifiers: ClinVar variation 3722345 (VCV003722345.2).

ClinVar aggregate classification (germline): Uncertain significance (1 of 4 stars; one submission).

Conditions:
Alstrom syndrome (ALMS). Identifiers: Orphanet 64, MedGen C0268425, MONDO:0008763, OMIM 203800.

gnomAD v4.1: 6 of 1,614,136 alleles (0.00037%); highest among the groups gnomAD compares: South Asian, 0.0066%; no homozygotes.

Submission:

Labcorp Genetics (formerly Invitae), Labcorp
Classification: Uncertain significance for Alstrom syndrome. Last evaluated: 2024-09-03. Review status: criteria provided, single submitter. Criteria: Invitae Variant Classification Sherloc (09022015). Collection method: clinical testing. Allele origin: germline.
Comment: This sequence change replaces aspartic acid, which is acidic and polar, with tyrosine, which is neutral and polar, at codon 3371 of the ALMS1 protein (p.Asp3371Tyr). This variant is present in population databases (rs751123703, gnomAD 0.006%). This variant has not been reported in the literature in individuals affected with ALMS1-related conditions. Experimental studies and prediction algorithms are not available or were not evaluated, and the functional significance of this variant is currently unknown. In summary, the available evidence is currently insufficient to determine the role of this variant in disease. Therefore, it has been classified as a Variant of Uncertain Significance.